The following is an entry in ClinVar:

NM_001197104.2(KMT2A):c.10172A>G (p.Gln3391Arg)

Gene: KMT2A (lysine methyltransferase 2A; plus strand). Cytogenetic location: 11q23.3.
Variant type: single nucleotide variant.
Coding change: c.10172A>G on transcript NM_001197104.2 (MANE Select); coding-DNA position 10172, A replaced by G.
Protein change: p.Gln3391Arg; replaces glutamine 3391 with arginine.
Molecular consequence: missense variant.
Genome position (GRCh38, 1-based): chr11:118,506,064, A>G. VCF-style: chr11-118506064-A-G. GRCh37 (hg19) VCF-style: chr11-118376779-A-G.
Other names: c.10262A>G, p.Gln3421Arg (NM_001412597.1); c.10163A>G, p.Gln3388Arg (NM_005933.4); short protein forms Q3391R, Q3388R, Q3421R.
Identifiers: ClinVar variation 1926524 (VCV001926524.5), dbSNP rs2497027601, ClinGen allele CA382822808.

ClinVar aggregate classification (germline): Uncertain significance (1 of 4 stars; one submission).

Allele frequency attached by ClinVar (database versions not stated): gnomAD exomes 0.00001.
gnomAD v4.1: 9 of 1,614,216 alleles (0.00056%); highest among the groups gnomAD compares: Non-Finnish European, 0.00076%; no homozygotes.

Submission:

Labcorp Genetics (formerly Invitae), Labcorp
Classification: Uncertain significance. Last evaluated: 2025-09-19. Review status: criteria provided, single submitter. Criteria: Invitae Variant Classification Sherloc (09022015). Collection method: clinical testing. Allele origin: germline.
Comment: This sequence change replaces glutamine, which is neutral and polar, with arginine, which is basic and polar, at codon 3391 of the KMT2A protein (p.Gln3391Arg). This variant is not present in population databases (gnomAD no frequency). This variant has not been reported in the literature in individuals affected with KMT2A-related conditions. ClinVar contains an entry for this variant (Variation ID: 1926524). Invitae Evidence Modeling of protein sequence and biophysical properties (such as structural, functional, and spatial information, amino acid conservation, physicochemical variation, residue mobility, and thermodynamic stability) indicates that this missense variant is not expected to disrupt KMT2A protein function with a negative predictive value of 95%. In summary, the available evidence is currently insufficient to determine the role of this variant in disease. Therefore, it has been classified as a Variant of Uncertain Significance.